The following is an entry in ClinVar:

ClinVar aggregate classification (germline): Pathogenic/Likely pathogenic. Review status: criteria provided, multiple submitters, no conflicts (2 of 4 stars). 4 submissions from 4 submitters: Pathogenic (3); Likely pathogenic (1). Last evaluated 2025-02-03.

Conditions:
Glucocorticoid deficiency with achalasia (AAAS). Also called: Achalasia-Addisonianism-Alacrima (Triple-A) Syndrome; AAA syndrome; Allgrove syndrome; Addisonian achalasia syndrome; ALACRIMA-ACHALASIA-ADRENAL INSUFFICIENCY NEUROLOGIC DISORDER; Achalasia-addisonianism-alacrimia syndrome. Identifiers: Orphanet 869, MedGen C0271742, MONDO:0009279, OMIM 231550.
AAAS-related disorder. Also called: AAAS-related condition.

Submissions (4):

Labcorp Genetics (formerly Invitae), Labcorp
Classification: Pathogenic. Last evaluated: 2025-02-03. Review status: criteria provided, single submitter. Criteria: Invitae Variant Classification Sherloc (09022015). Collection method: clinical testing. Allele origin: germline.
Comment: This sequence change creates a premature translational stop signal (p.His71Ilefs*23) in the AAAS gene. It is expected to result in an absent or disrupted protein product. Loss-of-function variants in AAAS are known to be pathogenic (PMID: 11159947). This variant is present in population databases (rs765577880, gnomAD 0.006%). This premature translational stop signal has been observed in individual(s) with Achalasia-addisonianism-alacrimia syndrome (PMID: 12429595, 35570467). This variant is also known as 292 Del C. ClinVar contains an entry for this variant (Variation ID: 2575044). For these reasons, this variant has been classified as Pathogenic.

Blueprint Genetics
Classification: Likely pathogenic for AAAS-related disorders. Last evaluated: 2024-03-25. Review status: criteria provided, single submitter. Criteria: ACMG Guidelines, 2015. Collection method: clinical testing. Allele origin: germline. Affected: yes. Observed: 5 variant alleles.

Women's Health and Genetics/Laboratory Corporation of America, LabCorp
Classification: Pathogenic for Glucocorticoid deficiency with achalasia. Last evaluated: 2023-10-10. Review status: criteria provided, single submitter. Criteria: LabCorp Variant Classification Summary - May 2015. Collection method: clinical testing. Allele origin: germline.
Comment: Variant summary: AAAS c.211delC (p.His71IlefsX23) results in a premature termination codon, predicted to cause absence of the protein due to nonsense mediated decay, which is a commonly known mechanism for disease. The variant allele was found at a frequency of 1.6e-05 in 251496 control chromosomes (gnomAD). c.211delC has been reported in the literature in individuals affected with Achalasia-addisonianism-alacrima syndrome (Triple-A syndrome; Macke_2022). These data indicate that the variant may be associated with disease. The following publication has been ascertained in the context of this evaluation (PMID: 35570467). One submitter has cited a clinical-significance assessment for this variant to ClinVar after 2014 and has classified the variant as pathogenic. Based on the evidence outlined above, the variant was classified as pathogenic.

GeneDx
Classification: Pathogenic. Last evaluated: 2023-07-21. Review status: criteria provided, single submitter. Criteria: GeneDx Variant Classification Process June 2021. Collection method: clinical testing. Allele origin: germline. Affected: yes.
Comment: Frameshift variant predicted to result in protein truncation or nonsense mediated decay in a gene for which loss-of-function is a known mechanism of disease; This variant is associated with the following publications: (PMID: 16098009, 15666842, 15217518, 12429595, 12548737, 33369814, 35570467)

Literature cited by the submitters: PubMed 11159947 (cited by Labcorp Genetics (formerly Invitae), Labcorp); PubMed 12429595 (cited by Labcorp Genetics (formerly Invitae), Labcorp); PubMed 35570467 (cited by Labcorp Genetics (formerly Invitae), Labcorp and Women's Health and Genetics/Laboratory Corporation of America, LabCorp).

NM_015665.6(AAAS):c.211del (p.His71fs)

Gene: AAAS (aladin WD repeat nucleoporin; minus strand). Cytogenetic location: 12q13.13.
Variant type: Deletion.
Coding change: c.211del on transcript NM_015665.6 (MANE Select); coding-DNA position 211, one base deleted (C; older notation c.211delC).
Protein change: p.His71fs; shifts the reading frame from histidine 71.
Molecular consequence: frameshift variant.
Genome position (GRCh38, 1-based): chr12:53,320,605, G deleted on the plus strand (C on the coding strand, the reverse complement: AAAS is on the minus strand); the first of 2 consecutive G bases (chr12:53,320,605-53,320,606); deleting either gives the same sequence. VCF-style (leftmost placement, unchanged base first): chr12-53320604-TG-T. GRCh37 (hg19) VCF-style: chr12-53714388-TG-T.
Other names: c.211del, p.His71fs (NM_001173466.2); c.211delC (NM_015665.6); short protein forms H71fs.
Identifiers: ClinVar variation 2575044 (VCV002575044.7), dbSNP rs765577880, ClinGen allele CA6599314.